The following is an entry in ClinVar:

ClinVar aggregate classification (germline): Uncertain significance (1 of 4 stars; one submission).

Conditions:
Epidermolysis bullosa simplex 5B, with muscular dystrophy (EBS5B). Also called: Epidermolysis bullosa simplex with muscular dystrophy; EPIDERMOLYSIS BULLOSA SIMPLEX AND LIMB-GIRDLE MUSCULAR DYSTROPHY. Identifiers: Orphanet 257, MedGen C2931072, MONDO:0009181, OMIM 226670.
Epidermolysis bullosa simplex, Ogna type (EBS5A). Also called: Pidermolysis bullosa simplex 5A, Ogna type; EPIDERMOLYSIS BULLOSA SIMPLEX 5A, OGNA TYPE. Identifiers: Orphanet 79401, MedGen C0432317, MONDO:0007555, OMIM 131950.
Epidermolysis bullosa simplex 5C, with pyloric atresia (EBS5C). Also called: Epidermolysis bullosa simplex with pyloric atresia; PLEC-Related Epidermolysis Bullosa with Pyloric Atresia; PLEC1-Related Epidermolysis Bullosa with Pyloric Atresia. Identifiers: Orphanet 158684, MedGen C2677349, MONDO:0012807, OMIM 612138.
Autosomal recessive limb-girdle muscular dystrophy type 2Q (LGMDR17). Also called: MUSCULAR DYSTROPHY, LIMB-GIRDLE, AUTOSOMAL RECESSIVE 17. Identifiers: Orphanet 254361, MedGen C3150989, MONDO:0013390, OMIM 613723.
Epidermolysis bullosa simplex with nail dystrophy (EBS5D). Identifiers: MedGen C4225309, MONDO:0014661, OMIM 616487.

Allele frequency attached by ClinVar (database versions not stated): gnomAD exomes below 0.00001; TOPMed below 0.00001; gnomAD 0.00001.
gnomAD v4.1: 3 of 1,604,534 alleles (0.00019%); highest among the groups gnomAD compares: African/African-American, 0.004%; no homozygotes.

Submission:

Labcorp Genetics (formerly Invitae), Labcorp
Classification: Uncertain significance for Autosomal recessive limb-girdle muscular dystrophy type 2Q; Epidermolysis bullosa simplex, Ogna type; Epidermolysis bullosa simplex with nail dystrophy; Epidermolysis bullosa simplex 5C, with pyloric atresia; Epidermolysis bullosa simplex 5B, with muscular dystrophy. Last evaluated: 2022-09-20. Review status: criteria provided, single submitter. Criteria: Invitae Variant Classification Sherloc (09022015). Collection method: clinical testing. Allele origin: germline.
Comment: In summary, the available evidence is currently insufficient to determine the role of this variant in disease. Therefore, it has been classified as a Variant of Uncertain Significance. Algorithms developed to predict the effect of missense changes on protein structure and function are either unavailable or do not agree on the potential impact of this missense change (SIFT: "Deleterious"; PolyPhen-2: "Probably Damaging"; Align-GVGD: "Class C15"). This variant has not been reported in the literature in individuals affected with PLEC-related conditions. This variant is not present in population databases (gnomAD no frequency). This sequence change replaces leucine, which is neutral and non-polar, with phenylalanine, which is neutral and non-polar, at codon 2257 of the PLEC protein (p.Leu2257Phe).

NM_201384.3(PLEC):c.6688C>T (p.Leu2230Phe)

Gene: PLEC (plectin; minus strand). Cytogenetic location: 8q24.3.
Variant type: single nucleotide variant.
Coding change: c.6688C>T on transcript NM_201384.3 (MANE Select); coding-DNA position 6688, C replaced by T.
Protein change: p.Leu2230Phe; replaces leucine 2230 with phenylalanine.
Molecular consequence: missense variant.
Genome position (GRCh38, 1-based): chr8:143,923,241, G>A on the plus strand (C>T on the coding strand, the complement: PLEC is on the minus strand). VCF-style: chr8-143923241-G-A. GRCh37 (hg19) VCF-style: chr8-144997409-G-A.
Other names: c.6769C>T, p.Leu2257Phe (NM_000445.5); c.6646C>T, p.Leu2216Phe (NM_201378.4); c.6622C>T, p.Leu2208Phe (NM_201379.3); c.7099C>T, p.Leu2367Phe (NM_201380.4); c.6592C>T, p.Leu2198Phe (NM_201381.3); c.6688C>T, p.Leu2230Phe (NM_201382.4); c.6700C>T, p.Leu2234Phe (NM_201383.3); short protein forms L2198F, L2230F, L2208F, L2257F, L2216F, L2234F, L2367F.
Identifiers: ClinVar variation 1978120 (VCV001978120.5), dbSNP rs1554691684, ClinGen allele CA372532935.